The following is an entry in ClinVar:

NM_001386140.1(MTTP):c.565A>G (p.Lys189Glu)

Gene: MTTP (microsomal triglyceride transfer protein; plus strand). Cytogenetic location: 4q23.
Variant type: single nucleotide variant.
Coding change: c.565A>G on transcript NM_001386140.1 (MANE Select); coding-DNA position 565, A replaced by G.
Protein change: p.Lys189Glu; replaces lysine 189 with glutamic acid.
Molecular consequence: missense variant.
Genome position (GRCh38, 1-based): chr4:99,591,298, A>G. VCF-style: chr4-99591298-A-G. GRCh37 (hg19) VCF-style: chr4-100512455-A-G.
Other names: c.565A>G, p.Lys189Glu (NM_000253.4); c.316A>G, p.Lys106Glu (NM_001300785.2); short protein forms K189E, K106E.
Identifiers: ClinVar variation 2109654 (VCV002109654.4), dbSNP rs2476106536, ClinGen allele CA357504493.

ClinVar aggregate classification (germline): Uncertain significance (1 of 4 stars; one submission).

Submission:

Labcorp Genetics (formerly Invitae), Labcorp
Classification: Uncertain significance. Last evaluated: 2022-03-12. Review status: criteria provided, single submitter. Criteria: Invitae Variant Classification Sherloc (09022015). Collection method: clinical testing. Allele origin: germline.
Comment: In summary, the available evidence is currently insufficient to determine the role of this variant in disease. Therefore, it has been classified as a Variant of Uncertain Significance. Algorithms developed to predict the effect of missense changes on protein structure and function are either unavailable or do not agree on the potential impact of this missense change (SIFT: "Tolerated"; PolyPhen-2: "Probably Damaging"; Align-GVGD: "Class C0"). This variant has not been reported in the literature in individuals affected with MTTP-related conditions. This variant is not present in population databases (gnomAD no frequency). This sequence change replaces lysine, which is basic and polar, with glutamic acid, which is acidic and polar, at codon 189 of the MTTP protein (p.Lys189Glu).